The following is an entry in ClinVar:

NM_002471.4(MYH6):c.2843A>G (p.Glu948Gly)

Gene: MYH6 (myosin heavy chain 6; minus strand). Cytogenetic location: 14q11.2.
Variant type: single nucleotide variant.
Coding change: c.2843A>G on transcript NM_002471.4 (MANE Select); coding-DNA position 2843, A replaced by G.
Protein change: p.Glu948Gly; replaces glutamic acid 948 with glycine.
Molecular consequence: missense variant.
Genome position (GRCh38, 1-based): chr14:23,393,751, T>C on the plus strand (A>G on the coding strand, the complement: MYH6 is on the minus strand). VCF-style: chr14-23393751-T-C. GRCh37 (hg19) VCF-style: chr14-23862960-T-C.
Other names: short protein forms E948G.
Identifiers: ClinVar variation 1684565 (VCV001684565.2), dbSNP rs2138598876, ClinGen allele CA389012253.
Genomic context (GRCh38, chr14:23,393,751, plus strand): 5'-TTCTCCACCTTGGCCAGTGTCAGCTCCAGGTCATCAATGTCCTTCTTGAGCTCTGAGCAC[T>C]CGTCTTCCAGCTTGCGCTTCTTGGCAGTGAGCTCCGCGTTCATCTCCTCCTCATCCTCCA-3'
Protein context (NP_002462.2, residues 938-958): LTAKKRKLED[Glu948Gly]CSELKKDIDD

ClinVar aggregate classification (germline): Likely benign (1 of 4 stars; one submission).

Conditions:
Hypertrophic cardiomyopathy 14. Identifiers: MedGen C2750467, MONDO:0013197, OMIM 613251.

Submission:

Institute of Human Genetics, University of Goettingen
Classification: Likely benign for Hypertrophic cardiomyopathy 14. Last evaluated: 2022-05-20. Review status: criteria provided, single submitter. Criteria: ACMG Guidelines, 2015. Collection method: clinical testing. Allele origin: unknown. Inheritance: Autosomal dominant inheritance. Observed: 1 heterozygote.
Comment: For the following reasons, the MYH6 sequence variant found is assessed by us as a "Liekely benign": the mutation has not been previously described in the specialized literature or listed in the HGMD and ClinVar databases; a comparison with the gnomAD browser did not provide evidence that this sequence change is a norm variant detectable also in non-affected individuals; the molecular diagnosis matches partial aspects of the patient's clinical symptoms; the mutation is independently classified as deleterious by four prediction programs.